The following is an entry in ClinVar:

NM_182915.3(STEAP3):c.1215+2604C>T

Gene: STEAP3 (STEAP3 metalloreductase; plus strand). Cytogenetic location: 2q14.2.
Variant type: single nucleotide variant.
Coding change: c.1215+2604C>T on transcript NM_182915.3 (MANE Select); 2604 bases into the intron after coding-DNA position 1215, C replaced by T.
Molecular consequence: intron variant.
Genome position (GRCh38, 1-based): chr2:119,257,452, C>T. VCF-style: chr2-119257452-C-T. GRCh37 (hg19) VCF-style: chr2-120015028-C-T.
Other names: c.1185+2604C>T (NM_018234.3, NM_001008410.2); c.1186-5C>T (NM_138637.3, NM_138637.2).
Identifiers: ClinVar variation 2651301 (VCV002651301.25), dbSNP rs771302277, ClinGen allele CA1846843.

ClinVar aggregate classification (germline): Likely benign. Review status: criteria provided, single submitter (1 of 4 stars). 2 submissions from 2 submitters: Likely benign (1). 1 of the submissions does not count toward it. Last evaluated 2023-09-01.

Conditions:
STEAP3-related disorder. Also called: STEAP3-related condition.

Allele frequency attached by ClinVar (database versions not stated): gnomAD exomes 0.00007; gnomAD 0.00013; TOPMed 0.00015; ExAC 0.00054.
gnomAD v4.1: 118 of 1,514,150 alleles (0.0078%); highest among the groups gnomAD compares: Admixed American, 0.025%; no homozygotes.

Submissions (2):

CeGaT Center for Human Genetics Tuebingen
Classification: Likely benign. Last evaluated: 2023-09-01. Review status: criteria provided, single submitter. Criteria: CeGaT Center For Human Genetics Tuebingen Variant Classification Criteria Version 2. Collection method: clinical testing. Allele origin: germline. Affected: yes. Observed: 1 variant allele.
Comment: STEAP3: BP4, BS2

PreventionGenetics, part of Exact Sciences
Classification: Likely benign for STEAP3-related condition. Last evaluated: 2019-02-22. Review status: no assertion criteria provided. Collection method: clinical testing. Allele origin: germline. Not counted in ClinVar's aggregate classification.
Comment: This variant is classified as likely benign based on ACMG/AMP sequence variant interpretation guidelines (Richards et al. 2015 PMID: 25741868, with internal and published modifications).